The following is an entry in ClinVar:

ClinVar aggregate classification (germline): Uncertain significance. Review status: criteria provided, multiple submitters, no conflicts (2 of 4 stars). 2 submissions from 2 submitters: Uncertain significance (2). Last evaluated 2026-01-04.

Conditions:
Microcephaly, normal intelligence and immunodeficiency (NBS). Also called: Ataxia telangiectasia variant V1; IMMUNODEFICIENCY, MICROCEPHALY, AND CHROMOSOMAL INSTABILITY; Immunodeficiency, microcephaly with normal intelligence; BERLIN BREAKAGE SYNDROME; SEEMANOVA SYNDROME II; Nijmegen breakage syndrome. Identifiers: Orphanet 647, MedGen C0398791, MONDO:0009623, OMIM 251260.
Hereditary cancer-predisposing syndrome. Also called: Hereditary neoplastic syndrome; Neoplastic Syndromes, Hereditary; Hereditary Cancer Syndrome; Tumor predisposition. Identifiers: Orphanet 140162, MedGen C0027672, MeSH D009386, MONDO:0015356.

gnomAD v4.1: 6 of 1,612,648 alleles (0.00037%); highest among the groups gnomAD compares: Non-Finnish European, 0.00051%; no homozygotes.

Submissions (2):

Labcorp Genetics (formerly Invitae), Labcorp
Classification: Uncertain significance for Microcephaly, normal intelligence and immunodeficiency. Last evaluated: 2026-01-04. Review status: criteria provided, single submitter. Criteria: Invitae Variant Classification Sherloc (09022015). Collection method: clinical testing. Allele origin: germline.
Comment: This sequence change replaces threonine, which is neutral and polar, with lysine, which is basic and polar, at codon 485 of the NBN protein (p.Thr485Lys). The frequency data for this variant in the population databases is considered unreliable, as metrics indicate poor data quality at this position in the gnomAD database. This variant has not been reported in the literature in individuals affected with NBN-related conditions. ClinVar contains an entry for this variant (Variation ID: 1171658). An algorithm developed to predict the effect of missense changes on protein structure and function (PolyPhen-2) suggests that this variant is likely to be tolerated. In summary, the available evidence is currently insufficient to determine the role of this variant in disease. Therefore, it has been classified as a Variant of Uncertain Significance.

Ambry Genetics
Classification: Uncertain significance for Hereditary cancer-predisposing syndrome. Last evaluated: 2022-09-01. Review status: criteria provided, single submitter. Criteria: Ambry Variant Classification Scheme 2023. Collection method: clinical testing. Allele origin: germline.
Comment: The p.T485K variant (also known as c.1454C>A), located in coding exon 11 of the NBN gene, results from a C to A substitution at nucleotide position 1454. The threonine at codon 485 is replaced by lysine, an amino acid with similar properties. This amino acid position is poorly conserved in available vertebrate species. In addition, this alteration is predicted to be tolerated by in silico analysis. Since supporting evidence is limited at this time, the clinical significance of this alteration remains unclear.

NM_002485.5(NBN):c.1454C>A (p.Thr485Lys)

Gene: NBN (nibrin; minus strand). Cytogenetic location: 8q21.3.
Variant type: single nucleotide variant.
Coding change: c.1454C>A on transcript NM_002485.5 (MANE Select); coding-DNA position 1454, C replaced by A.
Protein change: p.Thr485Lys; replaces threonine 485 with lysine.
Molecular consequence: missense variant.
Genome position (GRCh38, 1-based): chr8:89,953,635, G>T on the plus strand (C>A on the coding strand, the complement: NBN is on the minus strand). VCF-style: chr8-89953635-G-T. GRCh37 (hg19) VCF-style: chr8-90965863-G-T.
Other names: c.1208C>A, p.Thr403Lys (NM_001024688.3); short protein forms T403K, T485K.
Identifiers: ClinVar variation 1171658 (VCV001171658.12), dbSNP rs200891292, ClinGen allele CA4802718.